The following is an entry in ClinVar:

ClinVar aggregate classification (germline): Pathogenic. Review status: criteria provided, multiple submitters, no conflicts (2 of 4 stars). 2 submissions from 2 submitters: Pathogenic (2). Last evaluated 2022-07-26.

Conditions:
Progressive myoclonic epilepsy. Also called: Myoclonus epilepsy; Familial progressive myoclonic epilepsy; Myoclonic Epilepsies, Progressive; Progressive myoclonus epilepsy. Identifiers: Orphanet 308, Orphanet 98261, MedGen C0751778, MONDO:0020074.

Allele frequency attached by ClinVar (database versions not stated): gnomAD exomes below 0.00001.

Submissions (2):

Labcorp Genetics (formerly Invitae), Labcorp
Classification: Pathogenic for Progressive myoclonic epilepsy. Last evaluated: 2022-07-26. Review status: criteria provided, single submitter. Criteria: Invitae Variant Classification Sherloc (09022015). Collection method: clinical testing. Allele origin: germline.
Comment: This sequence change creates a premature translational stop signal (p.Ala49Argfs*32) in the CSTB gene. While this is not anticipated to result in nonsense mediated decay, it is expected to disrupt the last 50 amino acid(s) of the CSTB protein. This variant is not present in population databases (gnomAD no frequency). For these reasons, this variant has been classified as Pathogenic. This variant disrupts a region of the CSTB protein in which other variant(s) (p.Leu73Profs*3) have been determined to be pathogenic (PMID: 9054946, 9342192, 15483648, 17920138). This suggests that this is a clinically significant region of the protein, and that variants that disrupt it are likely to be disease-causing. This variant has not been reported in the literature in individuals affected with CSTB-related conditions.

Athena Diagnostics
Classification: Pathogenic. Last evaluated: 2022-03-29. Review status: criteria provided, single submitter. Criteria: Athena Diagnostics Criteria. Collection method: clinical testing. Allele origin: unknown.
Comment: This variant is expected to result in the loss of a functional protein. This variant has not been reported in large, multi-ethnic general populations. This variant has been identified in at least one individual tested at Athena Diagnostics with clinical features associated with this gene.

Literature cited by the submitters: PubMed 9054946 (cited by Labcorp Genetics (formerly Invitae), Labcorp); PubMed 9342192 (cited by Labcorp Genetics (formerly Invitae), Labcorp); PubMed 15483648 (cited by Labcorp Genetics (formerly Invitae), Labcorp); PubMed 17920138 (cited by Labcorp Genetics (formerly Invitae), Labcorp).

NM_000100.4(CSTB):c.145del (p.Ala49fs)

Gene: CSTB (cystatin B; minus strand). Cytogenetic location: 21q22.3.
Variant type: Deletion.
Coding change: c.145del on transcript NM_000100.4 (MANE Select); coding-DNA position 145, one base deleted (G; older notation c.145delG).
Protein change: p.Ala49fs; shifts the reading frame from alanine 49.
Molecular consequence: frameshift variant.
Genome position (GRCh38, 1-based): chr21:43,774,681, C deleted on the plus strand (G on the coding strand, the reverse complement: CSTB is on the minus strand). VCF-style (leftmost placement, unchanged base first): chr21-43774680-GC-G. GRCh37 (hg19) VCF-style: chr21-45194561-GC-G.
Other names: c.145delG, p.Ala49Argfs (NM_000100.3); short protein forms A49fs.
Identifiers: ClinVar variation 1807163 (VCV001807163.6), dbSNP rs2517171405, ClinGen allele CA2577617677.
Genomic context (GRCh38, chr21:43,774,680, plus strand): 5'-CCCGTTCGGGGCAGGCCCTCCTGAGGCCCACACTCTACCTTGATGAAGTAGTTTGTCCCC[GC>G]GACCACCTGGCTCTTGAATGACACGGCCTTAAACACAGGGAACTTCTTGTTTTCTTTCTC-3'